The following is an entry in ClinVar:

ClinVar aggregate classification (germline): Uncertain significance (1 of 4 stars; one submission).

Conditions:
EPCAM-related disorder. Also called: EPCAM-related condition.

Submission:

PreventionGenetics, part of Exact Sciences
Classification: Uncertain significance for EPCAM-related condition. Last evaluated: 2023-04-27. Review status: criteria provided, single submitter. Criteria: ACMG Guidelines, 2015. Collection method: clinical testing. Allele origin: germline.
Comment: The EPCAM c.184+6T>G variant is predicted to interfere with splicing. This variant was reported in an individual with neonatal-onset watery diarrhea (Yan et al 2021. PubMed ID: 34503561, Table 3). This variant has not been reported in a large population database, indicating this variant is rare. At this time, the clinical significance of this variant is uncertain due to the absence of conclusive functional and genetic evidence.

NM_002354.3(EPCAM):c.184+6T>G

Gene: EPCAM (epithelial cell adhesion molecule; plus strand). Cytogenetic location: 2p21.
Variant type: single nucleotide variant.
Coding change: c.184+6T>G on transcript NM_002354.3 (MANE Select); 6 bases into the intron after coding-DNA position 184, T replaced by G.
Molecular consequence: intron variant.
Genome position (GRCh38, 1-based): chr2:47,373,576, T>G. VCF-style: chr2-47373576-T-G. GRCh37 (hg19) VCF-style: chr2-47600715-T-G.
Identifiers: ClinVar variation 2632983 (VCV002632983.1), dbSNP rs2465455474, ClinGen allele CA2586964798.
Genomic context (GRCh38, chr2:47,373,576, plus strand): 5'-CGTCAATGCCAGTGTACTTCAGTTGGTGCACAAAATACTGTCATTTGCTCAAAGCGTGAG[T>G]AAAATATCCTAATTACCTGTAAGCTTTATTTTGACTTAATACTTCTTTAATTGATGTGCC-3'